The following is an entry in ClinVar:

NM_001369.3(DNAH5):c.6217A>G (p.Met2073Val)

Gene: DNAH5 (dynein axonemal heavy chain 5; minus strand). Cytogenetic location: 5p15.2.
Variant type: single nucleotide variant.
Coding change: c.6217A>G on transcript NM_001369.3 (MANE Select); coding-DNA position 6217, A replaced by G.
Protein change: p.Met2073Val; replaces methionine 2073 with valine.
Molecular consequence: missense variant.
Genome position (GRCh38, 1-based): chr5:13,830,058, T>C on the plus strand (A>G on the coding strand, the complement: DNAH5 is on the minus strand). VCF-style: chr5-13830058-T-C. GRCh37 (hg19) VCF-style: chr5-13830167-T-C.
Other names: short protein forms M2073V.
Identifiers: ClinVar variation 904350 (VCV000904350.20), dbSNP rs752077073, ClinGen allele CA3203463.
Genomic context (GRCh38, chr5:13,830,058, plus strand): 5'-TTCAGTAGCTTTTCTAGCAGCTCCTTACCATGGTTAAGAAAAGCCCAAATTCAGGGTTCA[T>C]AGTCACATTATCTCCATCAGTAAAGATAAAAGACTTTTTGTGCTCCTTTTTACATGTCAG-3'
Protein context (NP_001360.1, residues 2063-2083): FIFTDGDNVT[Met2073Val]NPEFGLFLTM

ClinVar aggregate classification (germline): Conflicting classifications of pathogenicity. Review status: criteria provided, conflicting classifications (1 of 4 stars). 5 submissions from 5 submitters: Uncertain significance (3); Likely benign (1). 1 of the submissions does not count toward it. Last evaluated 2024-02-19.

Conditions:
Primary ciliary dyskinesia. Also called: Ciliary dyskinesia. Identifiers: Orphanet 244, MedGen C0008780, MONDO:0016575, HP:0012265.
Primary ciliary dyskinesia 3. Identifiers: Orphanet 244, MedGen C1837618, MONDO:0012085, OMIM 608644.

Allele frequency attached by ClinVar (database versions not stated): TOPMed 0.00002; gnomAD 0.00003 and 0.00004; gnomAD exomes 0.00004 and 0.00005; ExAC 0.00006.
gnomAD v4.1: 65 of 1,614,014 alleles (0.004%); highest among the groups gnomAD compares: Non-Finnish European, 0.0048%; no homozygotes.

Submissions (5):

Labcorp Genetics (formerly Invitae), Labcorp
Classification: Likely benign for Primary ciliary dyskinesia. Last evaluated: 2024-02-19. Review status: criteria provided, single submitter. Criteria: Invitae Variant Classification Sherloc (09022015). Collection method: clinical testing. Allele origin: germline.

Ambry Genetics
Classification: Uncertain significance for Primary ciliary dyskinesia. Last evaluated: 2023-05-17. Review status: criteria provided, single submitter. Criteria: Ambry Variant Classification Scheme 2023. Collection method: clinical testing. Allele origin: germline.

GeneDx
Classification: Uncertain significance. Last evaluated: 2019-10-20. Review status: criteria provided, single submitter. Criteria: GeneDx Variant Classification Process June 2021. Collection method: clinical testing. Allele origin: germline. Affected: yes.
Comment: In silico analysis, which includes protein predictors and evolutionary conservation, supports a deleterious effect; Has not been previously published as pathogenic or benign to our knowledge

Illumina Laboratory Services, Illumina
Classification: Uncertain significance for Primary ciliary dyskinesia 3. Last evaluated: 2018-01-13. Review status: criteria provided, single submitter. Criteria: ICSL Variant Classification Criteria 13 December 2019. Collection method: clinical testing. Allele origin: germline.

Natera, Inc.
Classification: Uncertain significance for Primary ciliary dyskinesia. Last evaluated: 2020-01-24. Review status: no assertion criteria provided. Collection method: clinical testing. Allele origin: germline. Not counted in ClinVar's aggregate classification.